The following is an entry in ClinVar:

NM_000432.4(MYL2):c.394A>G (p.Lys132Glu)

Gene: MYL2 (myosin light chain 2; minus strand). Cytogenetic location: 12q24.11.
Variant type: single nucleotide variant.
Coding change: c.394A>G on transcript NM_000432.4 (MANE Select); coding-DNA position 394, A replaced by G.
Protein change: p.Lys132Glu; replaces lysine 132 with glutamic acid.
Molecular consequence: missense variant.
Genome position (GRCh38, 1-based): chr12:110,913,104, T>C on the plus strand (A>G on the coding strand, the complement: MYL2 is on the minus strand). VCF-style: chr12-110913104-T-C. GRCh37 (hg19) VCF-style: chr12-111350908-T-C.
Other names: c.352A>G, p.Lys118Glu (NM_001406745.1); c.337A>G, p.Lys113Glu (NM_001406916.1); short protein forms K113E, K132E, K118E.
Identifiers: ClinVar variation 3722955 (VCV003722955.2).

ClinVar aggregate classification (germline): Uncertain significance (1 of 4 stars; one submission).

Conditions:
Hypertrophic cardiomyopathy 10. Also called: CARDIOMYOPATHY, HYPERTROPHIC, MID-LEFT VENTRICULAR CHAMBER TYPE, 2; MYL2-Related Familial Hypertrophic Cardiomyopathy. Identifiers: MedGen C1834460, MONDO:0012112, OMIM 608758.

gnomAD v4.1: 1 of 1,614,126 alleles (0.000062%); no homozygotes.

Submission:

Labcorp Genetics (formerly Invitae), Labcorp
Classification: Uncertain significance for Hypertrophic cardiomyopathy 10. Last evaluated: 2024-10-15. Review status: criteria provided, single submitter. Criteria: Invitae Variant Classification Sherloc (09022015). Collection method: clinical testing. Allele origin: germline.
Comment: This sequence change replaces lysine, which is basic and polar, with glutamic acid, which is acidic and polar, at codon 132 of the MYL2 protein (p.Lys132Glu). This variant is not present in population databases (gnomAD no frequency). This variant has not been reported in the literature in individuals affected with MYL2-related conditions. An algorithm developed to predict the effect of missense changes on protein structure and function (PolyPhen-2) suggests that this variant is likely to be tolerated. In summary, the available evidence is currently insufficient to determine the role of this variant in disease. Therefore, it has been classified as a Variant of Uncertain Significance.